The following is an entry in ClinVar:

ClinVar aggregate classification (germline): Uncertain significance (1 of 4 stars; one submission).

Conditions:
Inborn genetic diseases. Identifiers: MedGen C0950123, MeSH D030342.

Submission:

Ambry Genetics
Classification: Uncertain significance for Inborn genetic diseases. Last evaluated: 2025-02-02. Review status: criteria provided, single submitter. Criteria: Ambry Variant Classification Scheme 2023. Collection method: clinical testing. Allele origin: germline.
Comment: The p.A349P variant (also known as c.1045G>C), located in coding exon 12 of the FANCA gene, results from a G to C substitution at nucleotide position 1045. The alanine at codon 349 is replaced by proline, an amino acid with highly similar properties. This amino acid position is conserved. In addition, the in silico prediction for this alteration is inconclusive. Based on the available evidence, the clinical significance of this variant remains unclear.

NM_000135.4(FANCA):c.1045G>C (p.Ala349Pro)

Gene: FANCA (FA complementation group A; minus strand). Cytogenetic location: 16q24.3.
Variant type: single nucleotide variant.
Coding change: c.1045G>C on transcript NM_000135.4 (MANE Select); coding-DNA position 1045, G replaced by C.
Protein change: p.Ala349Pro; replaces alanine 349 with proline.
Molecular consequence: missense variant.
Genome position (GRCh38, 1-based): chr16:89,792,509, C>G on the plus strand (G>C on the coding strand, the complement: FANCA is on the minus strand). VCF-style: chr16-89792509-C-G. GRCh37 (hg19) VCF-style: chr16-89858917-C-G.
Other names: c.1045G>C, p.Ala349Pro (NM_001286167.3); short protein forms A349P.
Identifiers: ClinVar variation 3848173 (VCV003848173.1).